The following is an entry in ClinVar:

NM_022047.4(DEF6):c.423+6G>A

Gene: DEF6 (DEF6 guanine nucleotide exchange factor; plus strand). Cytogenetic location: 6p21.31.
Variant type: single nucleotide variant.
Coding change: c.423+6G>A on transcript NM_022047.4 (MANE Select); 6 bases into the intron after coding-DNA position 423, G replaced by A.
Molecular consequence: intron variant.
Genome position (GRCh38, 1-based): chr6:35,310,650, G>A. VCF-style: chr6-35310650-G-A. GRCh37 (hg19) VCF-style: chr6-35278427-G-A.
Identifiers: ClinVar variation 1462900 (VCV001462900.6), dbSNP rs1791455554, ClinGen allele CA1087801346.

ClinVar aggregate classification (germline): Uncertain significance (1 of 4 stars; one submission).

Allele frequency attached by ClinVar (database versions not stated): gnomAD exomes below 0.00001; gnomAD 0.00001.
gnomAD v4.1: 3 of 1,613,914 alleles (0.00019%); highest among the groups gnomAD compares: Non-Finnish European, 0.00025%; no homozygotes.

Submission:

Labcorp Genetics (formerly Invitae), Labcorp
Classification: Uncertain significance. Last evaluated: 2022-09-19. Review status: criteria provided, single submitter. Criteria: Invitae Variant Classification Sherloc (09022015). Collection method: clinical testing. Allele origin: germline.
Comment: In summary, the available evidence is currently insufficient to determine the role of this variant in disease. Therefore, it has been classified as a Variant of Uncertain Significance. Variants that disrupt the consensus splice site are a relatively common cause of aberrant splicing (PMID: 17576681, 9536098). Algorithms developed to predict the effect of sequence changes on RNA splicing suggest that this variant is not likely to affect RNA splicing. ClinVar contains an entry for this variant (Variation ID: 1462900). This variant has not been reported in the literature in individuals affected with DEF6-related conditions. This variant is not present in population databases (gnomAD no frequency). This sequence change falls in intron 3 of the DEF6 gene. It does not directly change the encoded amino acid sequence of the DEF6 protein. It affects a nucleotide within the consensus splice site.

Literature cited by the submitters: PubMed 17576681; PubMed 9536098.